The following is an entry in ClinVar:

NM_001267550.2(TTN):c.25039T>C (p.Ser8347Pro)

Gene: TTN (titin; minus strand). Cytogenetic location: 2q31.2.
Variant type: single nucleotide variant.
Coding change: c.25039T>C on transcript NM_001267550.2 (MANE Select); coding-DNA position 25039, T replaced by C.
Protein change: p.Ser8347Pro; replaces serine 8347 with proline.
Molecular consequence: missense variant. On other transcripts: intron variant (3).
Genome position (GRCh38, 1-based): chr2:178,717,967, A>G on the plus strand (T>C on the coding strand, the complement: TTN is on the minus strand). VCF-style: chr2-178717967-A-G. GRCh37 (hg19) VCF-style: chr2-179582694-A-G.
Other names: c.24088T>C, p.Ser8030Pro (NM_001256850.1); c.21307T>C, p.Ser7103Pro (NM_133378.4); c.13282+20115T>C (NM_003319.4); c.13858+20115T>C (NM_133437.4); c.13657+20115T>C (NM_133432.3); short protein forms S7103P, S8030P, S8347P.
Identifiers: ClinVar variation 4795241 (VCV004795241.1).

ClinVar aggregate classification (germline): VUS-high (1 of 4 stars; one submission).

Conditions:
Autosomal recessive titinopathy. Identifiers: MedGen CN315649, MONDO:0100493.

gnomAD v4.1: 1 of 1,612,750 alleles (0.000062%); highest among the groups gnomAD compares: East Asian, 0.0022%; no homozygotes.

Submission:

Myofin, Folkhalsan Research Center
Classification: VUS-high for Autosomal recessive titinopathy. Last evaluated: 2026-02-06. Review status: criteria provided, single submitter. Criteria: ACMG Guidelines, 2015. Collection method: research. Allele origin: germline. Affected: yes.
Comment: The variant is rare in population databases (MAF 6.201e-7 in gnomAD; no homozygotes reported) and has a high deleterious computational prediction (AlphaMissense 0.9820). In vitro assays on the corresponding titin Ig domain show impaired folding/solubility and aggregation, but there are currently insufficient independent cases/segregation to classify beyond VUS. Given limited case-level evidence and lack of robust variant-level functional/replication data, we classify this variant as Uncertain significance (VUS-high) for recessive titinopathy.

Literature cited by the submitters: DOI 10.1101/2025.07.17.25331116.